The following is an entry in ClinVar:

NM_001267550.2(TTN):c.92131G>A (p.Val30711Met)

Genes: TTN (titin; minus strand), TTN-AS1 (TTN antisense RNA 1; plus strand). Cytogenetic location: 2q31.2.
Variant type: single nucleotide variant.
Coding change: c.92131G>A on transcript NM_001267550.2 (MANE Select); coding-DNA position 92131, G replaced by A.
Protein change: p.Val30711Met; replaces valine 30711 with methionine.
Molecular consequence: missense variant.
Genome position (GRCh38, 1-based): chr2:178,549,591, C>T on the plus strand (G>A on the coding strand, the complement: TTN is on the minus strand). VCF-style: chr2-178549591-C-T. GRCh37 (hg19) VCF-style: chr2-179414318-C-T.
Other names: p.V28143M:GTG>ATG; c.87208G>A, p.Val29070Met (NM_001256850.1); c.64936G>A, p.Val21646Met (NM_003319.4); c.84427G>A, p.Val28143Met (NM_133378.4); c.65311G>A, p.Val21771Met (NM_133432.3); c.65512G>A, p.Val21838Met (NM_133437.4); short protein forms V30711M, V28143M, V29070M, V21646M, V21838M, V21771M.
Identifiers: ClinVar variation 47519 (VCV000047519.34), dbSNP rs747122, ClinGen allele CA284036.

ClinVar aggregate classification (germline): Benign/Likely benign. Review status: criteria provided, multiple submitters, no conflicts (2 of 4 stars). 21 submissions from 14 submitters: Benign (18); Likely benign (2). 1 of the submissions does not count toward it. Last evaluated 2026-02-04.

Conditions:
Dilated cardiomyopathy 1G (CMD1G). Identifiers: Orphanet 154, MedGen C1858763, MONDO:0011400, OMIM 604145.
Autosomal recessive limb-girdle muscular dystrophy type 2J (LGMDR10). Also called: MUSCULAR DYSTROPHY, LIMB-GIRDLE, AUTOSOMAL RECESSIVE 10; Limb-girdle muscular dystrophy, type 2J. Identifiers: Orphanet 140922, MedGen C1837342, MONDO:0012127, OMIM 608807.
Cardiovascular phenotype. Identifiers: MedGen CN230736.
Early-onset myopathy with fatal cardiomyopathy (CMYO5). Also called: CONGENITAL MYOPATHY 5 WITH CARDIOMYOPATHY; Salih Myopathy. Identifiers: Orphanet 289377, MedGen C2673677, MONDO:0012714, OMIM 611705. Disease mechanism: loss of function.
Myopathy, myofibrillar, 9, with early respiratory failure (MFM9). Also called: Myopathy, distal, with early respiratory failure, autosomal dominant; Hereditary myopathy with early respiratory failure; MYOPATHY, PROXIMAL, WITH EARLY RESPIRATORY MUSCLE INVOLVEMENT; EDSTROM MYOPATHY. Identifiers: Orphanet 178464, Orphanet 34521, MedGen C1863599, MONDO:0011362, OMIM 603689.
Tibial muscular dystrophy (TMD). Also called: Udd Distal Myopathy – Tibial Muscular Dystrophy; Tibial muscular dystrophy, tardive; UDD MYOPATHY. Identifiers: Orphanet 609, MedGen C1838244, MONDO:0010870, OMIM 600334.

Allele frequency attached by ClinVar (database versions not stated): gnomAD 0.11538 and 0.11550; TOPMed 0.12665; 1000 Genomes Project 0.15016; ESP Exome Variant Server 0.10265; 1000 Genomes Project 30x 0.15303.
gnomAD v4.1: 95,031 of 1,612,856 alleles (5.9%); highest among the groups gnomAD compares: African/African-American, 26%; 6,393 homozygotes.

Submissions (21):

Labcorp Genetics (formerly Invitae), Labcorp
Classification: Benign for Dilated cardiomyopathy 1G; Autosomal recessive limb-girdle muscular dystrophy type 2J. Last evaluated: 2026-02-04. Review status: criteria provided, single submitter. Criteria: Invitae Variant Classification Sherloc (09022015). Collection method: clinical testing. Allele origin: germline.

Molecular Diagnostic Laboratory for Inherited Cardiovascular Disease, Montreal Heart Institute
Classification: Benign. Last evaluated: 2025-04-09. Review status: criteria provided, single submitter. Criteria: ACMG Guidelines, 2015. Collection method: clinical testing. Allele origin: germline. Affected: no.
Comment: BA1

Genome-Nilou Lab
Classification: Benign for Autosomal recessive limb-girdle muscular dystrophy type 2J. Last evaluated: 2021-09-10. Review status: criteria provided, single submitter. Criteria: ACMG Guidelines, 2015. Collection method: clinical testing. Allele origin: germline. Affected: no.

Genome-Nilou Lab
Classification: Benign for Myopathy, myofibrillar, 9, with early respiratory failure. Last evaluated: 2021-09-10. Review status: criteria provided, single submitter. Criteria: ACMG Guidelines, 2015. Collection method: clinical testing. Allele origin: germline. Affected: no.

Genome-Nilou Lab
Classification: Benign for Early-onset myopathy with fatal cardiomyopathy. Last evaluated: 2021-09-10. Review status: criteria provided, single submitter. Criteria: ACMG Guidelines, 2015. Collection method: clinical testing. Allele origin: germline. Affected: no.

Genome-Nilou Lab
Classification: Benign for Tibial muscular dystrophy. Last evaluated: 2021-09-10. Review status: criteria provided, single submitter. Criteria: ACMG Guidelines, 2015. Collection method: clinical testing. Allele origin: germline. Affected: no.

Women's Health and Genetics/Laboratory Corporation of America, LabCorp
Classification: Likely benign. Last evaluated: 2020-08-18. Review status: criteria provided, single submitter. Criteria: LabCorp Variant Classification Summary - May 2015. Collection method: clinical testing. Allele origin: germline.

Illumina Laboratory Services, Illumina
Classification: Benign for Myopathy, myofibrillar, 9, with early respiratory failure. Last evaluated: 2018-01-13. Review status: criteria provided, single submitter. Criteria: ICSL Variant Classification Criteria 13 December 2019. Collection method: clinical testing. Allele origin: germline.
Comment: This variant was observed in the ICSL laboratory as part of a predisposition screen in an ostensibly healthy population. It had not been previously curated by ICSL or reported in the Human Gene Mutation Database (HGMD: prior to June 1st, 2018), and was therefore a candidate for classification through an automated scoring system. Utilizing variant allele frequency, disease prevalence and penetrance estimates, and inheritance mode, an automated score was calculated to assess if this variant is too frequent to cause the disease. Based on the score and internal cut-off values, a variant classified as benign is not then subjected to further curation. The score for this variant resulted in a classification of benign for this disease.

Illumina Laboratory Services, Illumina
Classification: Benign for Dilated cardiomyopathy 1G. Last evaluated: 2018-01-13. Review status: criteria provided, single submitter. Criteria: ICSL Variant Classification Criteria 13 December 2019. Collection method: clinical testing. Allele origin: germline.
Comment: the same text as in the submission from Illumina Laboratory Services, Illumina above.

Illumina Laboratory Services, Illumina
Classification: Benign for Early-onset myopathy with fatal cardiomyopathy. Last evaluated: 2018-01-13. Review status: criteria provided, single submitter. Criteria: ICSL Variant Classification Criteria 13 December 2019. Collection method: clinical testing. Allele origin: germline.
Comment: the same text as in the submission from Illumina Laboratory Services, Illumina above.

Illumina Laboratory Services, Illumina
Classification: Benign for Tibial muscular dystrophy. Last evaluated: 2018-01-13. Review status: criteria provided, single submitter. Criteria: ICSL Variant Classification Criteria 13 December 2019. Collection method: clinical testing. Allele origin: germline.
Comment: the same text as in the submission from Illumina Laboratory Services, Illumina above.

Illumina Laboratory Services, Illumina
Classification: Benign for Autosomal recessive limb-girdle muscular dystrophy type 2J. Last evaluated: 2018-01-13. Review status: criteria provided, single submitter. Criteria: ICSL Variant Classification Criteria 13 December 2019. Collection method: clinical testing. Allele origin: germline.
Comment: the same text as in the submission from Illumina Laboratory Services, Illumina above.

Mayo Clinic Laboratories, Mayo Clinic
Classification: Benign. Last evaluated: 2017-08-24. Review status: criteria provided, single submitter. Criteria: ACMG Guidelines, 2015. Collection method: clinical testing. Allele origin: germline. Observed: 340 variant alleles.

Eurofins Ntd Llc (ga)
Classification: Benign. Last evaluated: 2014-09-03. Review status: criteria provided, single submitter. Criteria: EGL Classification Definitions 2015. Collection method: clinical testing. Allele origin: germline. Observed: 1 variant allele, 1 heterozygote.

Biesecker Lab/Clinical Genomics Section, National Institutes of Health
Classification: Benign. Last evaluated: 2013-06-24. Review status: criteria provided, single submitter. Criteria: Ng et al. (Circ Cardiovasc Genet. 2013). Collection method: research. Allele origin: unknown. Observed: 62 variant alleles. Study: ClinSeq.
Comment: The study set was not selected for affection status in relation to any cancer. Pathogenicity categories were based on literature curation. See Pubmed ID:23861362 for details.

Medical sequencing

Ambry Genetics
Classification: Benign for Cardiovascular phenotype. Last evaluated: 2013-01-16. Review status: criteria provided, single submitter. Criteria: Ambry Autosomal Dominant and X-Linked criteria (10/2015). Collection method: clinical testing. Allele origin: germline. Observed: 1 variant allele.

GeneDx
Classification: Benign. Last evaluated: 2012-10-26. Review status: criteria provided, single submitter. Criteria: GeneDx Variant Classification (06012015). Collection method: clinical testing. Allele origin: germline. Affected: yes.
Comment: This variant is considered likely benign or benign based on one or more of the following criteria: it is a conservative change, it occurs at a poorly conserved position in the protein, it is predicted to be benign by multiple in silico algorithms, and/or has population frequency not consistent with disease.

Laboratory for Molecular Medicine, Mass General Brigham Personalized Medicine
Classification: Benign. Last evaluated: 2011-09-27. Review status: criteria provided, single submitter. Criteria: LMM Criteria. Collection method: clinical testing. Allele origin: germline. Observed: 294 variant alleles.

Breakthrough Genomics
Classification: Likely benign. Review status: criteria provided, single submitter. Criteria: ACMG Guidelines, 2015. Collection method: not provided. Allele origin: germline. Inheritance: Autosomal recessive inheritance. Affected: yes.

PreventionGenetics, part of Exact Sciences
Classification: Benign. Review status: criteria provided, single submitter. Criteria: ACMG Guidelines, 2015. Collection method: clinical testing. Allele origin: germline.

Genetic Services Laboratory, University of Chicago
Classification: Likely benign for AllHighlyPenetrant. Review status: no assertion criteria provided. Collection method: clinical testing. Allele origin: germline. Not counted in ClinVar's aggregate classification.
Comment: Likely benign based on allele frequency in 1000 Genomes Project or ESP global frequency and its presence in a patient with a rare or unrelated disease phenotype. NOT Sanger confirmed.